The following is an entry in ClinVar:

ClinVar aggregate classification (germline): Conflicting classifications of pathogenicity. Review status: criteria provided, conflicting classifications (1 of 4 stars). 3 submissions from 3 submitters: Uncertain significance (2); Likely benign (1). Last evaluated 2024-08-19.

Conditions:
Neurodegeneration with brain iron accumulation 5 (NBIA5). Also called: STATIC ENCEPHALOPATHY OF CHILDHOOD WITH NEURODEGENERATION IN ADULTHOOD; Beta-propeller protein-associated neurodegeneration. Identifiers: Orphanet 329284, MedGen C3550973, MONDO:0010476, OMIM 300894.
Inborn genetic diseases. Identifiers: MedGen C0950123, MeSH D030342.

Allele frequency attached by ClinVar (database versions not stated): ExAC 0.00001; gnomAD exomes 0.00001 and 0.00004.
gnomAD v4.1: 42 of 1,211,983 alleles (0.0035%); highest among the groups gnomAD compares: Non-Finnish European, 0.0045%; no homozygotes.

Submissions (3):

Blueprint Genetics
Classification: Uncertain significance. Last evaluated: 2024-08-19. Review status: criteria provided, single submitter. Criteria: ACMG Guidelines, 2015. Collection method: clinical testing. Allele origin: germline.

Labcorp Genetics (formerly Invitae), Labcorp
Classification: Likely benign for Neurodegeneration with brain iron accumulation 5. Last evaluated: 2022-06-27. Review status: criteria provided, single submitter. Criteria: Invitae Variant Classification Sherloc (09022015). Collection method: clinical testing. Allele origin: germline.

Ambry Genetics
Classification: Uncertain significance for Inborn genetic diseases. Last evaluated: 2017-10-27. Review status: criteria provided, single submitter. Criteria: Ambry Variant Classification Scheme 2023. Collection method: clinical testing. Allele origin: germline.
Comment: The p.D131A variant (also known as c.392A>C), located in coding exon 5 of the WDR45 gene, results from an A to C substitution at nucleotide position 392. The aspartic acid at codon 131 is replaced by alanine, an amino acid with dissimilar properties. This amino acid position is well conserved in available vertebrate species. In addition, this alteration is predicted to be tolerated by in silico analysis. Since supporting evidence is limited at this time, the clinical significance of this alteration remains unclear.

NM_001029896.2(WDR45):c.389A>C (p.Asp130Ala)

Gene: WDR45 (WD repeat domain 45; minus strand). Cytogenetic location: Xp11.23.
Variant type: single nucleotide variant.
Coding change: c.389A>C on transcript NM_001029896.2 (MANE Select); coding-DNA position 389, A replaced by C.
Protein change: p.Asp130Ala; replaces aspartic acid 130 with alanine.
Molecular consequence: missense variant.
Genome position (GRCh38, 1-based): chrX:49,076,477, T>G on the plus strand (A>C on the coding strand, the complement: WDR45 is on the minus strand). VCF-style: chrX-49076477-T-G. GRCh37 (hg19) VCF-style: chrX-48934136-T-G.
Other names: c.392A>C, p.Asp131Ala (NM_007075.4); short protein forms D130A, D131A.
Identifiers: ClinVar variation 663904 (VCV000663904.9), dbSNP rs782723092, ClinGen allele CA10408541.